The following is an entry in ClinVar:

NM_182961.4(SYNE1):c.20746A>G (p.Ile6916Val)

Gene: SYNE1 (spectrin repeat containing nuclear envelope protein 1; minus strand). Cytogenetic location: 6q25.2.
Variant type: single nucleotide variant.
Coding change: c.20746A>G on transcript NM_182961.4 (MANE Select); coding-DNA position 20746, A replaced by G.
Protein change: p.Ile6916Val; replaces isoleucine 6916 with valine.
Molecular consequence: missense variant.
Genome position (GRCh38, 1-based): chr6:152,232,232, T>C on the plus strand (A>G on the coding strand, the complement: SYNE1 is on the minus strand). VCF-style: chr6-152232232-T-C. GRCh37 (hg19) VCF-style: chr6-152553367-T-C.
Other names: c.20533A>G, p.Ile6845Val (NM_033071.5); short protein forms I6916V, I6845V.
Identifiers: ClinVar variation 2195103 (VCV002195103.4), dbSNP rs1011463233, ClinGen allele CA150190453.

ClinVar aggregate classification (germline): Uncertain significance (1 of 4 stars; one submission).

Conditions:
Emery-Dreifuss muscular dystrophy 4, autosomal dominant (EDMD4). Also called: EMERY-DREIFUSS MUSCULAR DYSTROPHY 4 WITH VARIABLE FEATURES. Identifiers: Orphanet 261, MedGen C2751807, MONDO:0013071, OMIM 612998.
Autosomal recessive ataxia, Beauce type. Also called: Spinocerebellar ataxia, autosomal recessive 8; ATAXIA, RECESSIVE, OF BEAUCE; SYNE1-Related Autosomal Recessive Cerebellar Ataxia; SYNE1 Deficiency. Identifiers: Orphanet 88644, MedGen C1853116, MONDO:0012549, OMIM 610743.

Allele frequency attached by ClinVar (database versions not stated): gnomAD 0.00001; gnomAD exomes below 0.00001; TOPMed below 0.00001.
gnomAD v4.1: 3 of 1,613,904 alleles (0.00019%); highest among the groups gnomAD compares: Non-Finnish European, 0.00017%; no homozygotes.

Submission:

Labcorp Genetics (formerly Invitae), Labcorp
Classification: Uncertain significance for Emery-Dreifuss muscular dystrophy 4, autosomal dominant; Autosomal recessive ataxia, Beauce type. Last evaluated: 2022-11-08. Review status: criteria provided, single submitter. Criteria: Invitae Variant Classification Sherloc (09022015). Collection method: clinical testing. Allele origin: germline.
Comment: In summary, the available evidence is currently insufficient to determine the role of this variant in disease. Therefore, it has been classified as a Variant of Uncertain Significance. Algorithms developed to predict the effect of missense changes on protein structure and function (SIFT, PolyPhen-2, Align-GVGD) all suggest that this variant is likely to be disruptive. This variant has not been reported in the literature in individuals affected with SYNE1-related conditions. This variant is present in population databases (no rsID available, gnomAD 0.007%). This sequence change replaces isoleucine, which is neutral and non-polar, with valine, which is neutral and non-polar, at codon 6845 of the SYNE1 protein (p.Ile6845Val).